The following is an entry in ClinVar:

NM_002103.5(GYS1):c.985G>A (p.Ala329Thr)

Gene: GYS1 (glycogen synthase 1; minus strand). Cytogenetic location: 19q13.33.
Variant type: single nucleotide variant.
Coding change: c.985G>A on transcript NM_002103.5 (MANE Select); coding-DNA position 985, G replaced by A.
Protein change: p.Ala329Thr; replaces alanine 329 with threonine.
Molecular consequence: missense variant. On other transcripts: non-coding transcript variant (1).
Genome position (GRCh38, 1-based): chr19:48,982,332, C>T on the plus strand (G>A on the coding strand, the complement: GYS1 is on the minus strand). VCF-style: chr19-48982332-C-T. GRCh37 (hg19) VCF-style: chr19-49485589-C-T.
Other names: c.793G>A, p.Ala265Thr (NM_001161587.2); short protein forms A265T, A329T.
Identifiers: ClinVar variation 2138857 (VCV002138857.4), dbSNP rs747130196, ClinGen allele CA9563144.

ClinVar aggregate classification (germline): Uncertain significance (1 of 4 stars; one submission).

Conditions:
Glycogen storage disease due to muscle and heart glycogen synthase deficiency. Also called: GSD 0b; MUSCLE GLYCOGEN SYNTHASE DEFICIENCY. Identifiers: Orphanet 137625, MedGen C1969054, MONDO:0012693, OMIM 611556.

Allele frequency attached by ClinVar (database versions not stated): gnomAD exomes 0.00001; ExAC 0.00002; gnomAD 0.00003; TOPMed 0.00003.
gnomAD v4.1: 23 of 1,613,544 alleles (0.0014%); highest among the groups gnomAD compares: African/African-American, 0.0053%; no homozygotes.

Submission:

Labcorp Genetics (formerly Invitae), Labcorp
Classification: Uncertain significance for Glycogen storage disease due to muscle and heart glycogen synthase deficiency. Last evaluated: 2022-02-19. Review status: criteria provided, single submitter. Criteria: Invitae Variant Classification Sherloc (09022015). Collection method: clinical testing. Allele origin: germline.
Comment: Algorithms developed to predict the effect of missense changes on protein structure and function are either unavailable or do not agree on the potential impact of this missense change (SIFT: "Deleterious"; PolyPhen-2: "Benign"; Align-GVGD: "Class C0"). This variant has not been reported in the literature in individuals affected with GYS1-related conditions. This variant is present in population databases (rs747130196, gnomAD 0.003%). This sequence change replaces alanine, which is neutral and non-polar, with threonine, which is neutral and polar, at codon 329 of the GYS1 protein (p.Ala329Thr). In summary, the available evidence is currently insufficient to determine the role of this variant in disease. Therefore, it has been classified as a Variant of Uncertain Significance.